The following is an entry in ClinVar:

NM_000090.4(COL3A1):c.845G>C (p.Gly282Ala)

Gene: COL3A1 (collagen type III alpha 1 chain; plus strand). Cytogenetic location: 2q32.2.
Variant type: single nucleotide variant.
Coding change: c.845G>C on transcript NM_000090.4 (MANE Select); coding-DNA position 845, G replaced by C.
Protein change: p.Gly282Ala; replaces glycine 282 with alanine.
Molecular consequence: missense variant.
Genome position (GRCh38, 1-based): chr2:188,991,050, G>C. VCF-style: chr2-188991050-G-C. GRCh37 (hg19) VCF-style: chr2-189855776-G-C.
Other names: short protein forms G282A.
Identifiers: ClinVar variation 5006175 (VCV005006175.2).

ClinVar aggregate classification (germline): Likely pathogenic (1 of 4 stars; one submission).

Conditions:
Ehlers-Danlos syndrome, type 4 (EDSVASC). Also called: Ehlers-Danlos syndrome vascular type; Ehlers Danlos syndrome, ecchymotic type; Ehlers Danlos syndrome, arterial type; Ehlers Danlos syndrome, Sack-Barabas type; Ehlers-Danlos Syndrome Type IV. Identifiers: Orphanet 286, MedGen C0268338, MONDO:0017314, OMIM 130050.
Polymicrogyria with or without vascular-type Ehlers-Danlos syndrome. Identifiers: Orphanet 636941, MedGen C5193040, MONDO:0032688, OMIM 618343.

Submission:

Juno Genomics, Hangzhou Juno Genomics, Inc
Classification: Likely pathogenic for Ehlers-Danlos syndrome, type 4; Polymicrogyria with or without vascular-type Ehlers-Danlos syndrome. Review status: criteria provided, single submitter. Criteria: ACMG Guidelines, 2015. Collection method: clinical testing. Allele origin: germline.
Comment: Absent from controls (or at extremely low frequency if recessive) in Genome Aggregation Database.;Multiple lines of computational evidence support a deleterious effect on the gene or gene product.;Missense variant in a gene that has a low rate of benign missense variation.